The following is an entry in ClinVar:

NM_001127222.2(CACNA1A):c.6023_6050del (p.Pro2007_Ser2008insTer)

Gene: CACNA1A (calcium voltage-gated channel subunit alpha1 A; minus strand). Cytogenetic location: 19p13.13.
Variant type: Deletion.
Coding change: c.6023_6050del on transcript NM_001127222.2 (MANE Select); coding-DNA positions 6023 to 6050, 28 bases deleted (CCACCCAGCTGGACCCAGGAGGAGCCCT).
Protein change: p.Pro2007_Ser2008insTer.
Molecular consequence: nonsense. On other transcripts: frameshift variant (1).
Genome position (GRCh38, 1-based): chr19:13,212,631-13,212,658, AGGGCTCCTCCTGGGTCCAGCTGGGTGG deleted on the plus strand (CCACCCAGCTGGACCCAGGAGGAGCCCT on the coding strand, the reverse complement: CACNA1A is on the minus strand); deleting any 28 consecutive bases within chr19:13,212,631-13,212,662 gives the same sequence; the c. name uses the placement nearest the transcript's 3' end. VCF-style (leftmost placement, unchanged base first): chr19-13212630-CAGGGCTCCTCCTGGGTCCAGCTGGGTGG-C. GRCh37 (hg19) VCF-style: chr19-13323444-CAGGGCTCCTCCTGGGTCCAGCTGGGTGG-C.
Other names: c.6041_6068del, p.Pro2013_Ser2014insTer (NM_000068.4, NM_023035.3); c.6026_6053del, p.Pro2008_Ser2009insTer (NM_001127221.2); c.6032_6059del, p.Pro2010_Ser2011insTer (NM_001174080.2); c.6026_6053del28 (NM_001127221.1).
Identifiers: ClinVar variation 4840644 (VCV004840644.1).

ClinVar aggregate classification (germline): Pathogenic (1 of 4 stars; one submission).

Conditions:
Inborn genetic diseases. Identifiers: MedGen C0950123, MeSH D030342.

Submission:

Ambry Genetics
Classification: Pathogenic for Inborn genetic diseases. Last evaluated: 2026-03-11. Review status: criteria provided, single submitter. Criteria: Ambry Variant Classification Scheme 2023. Collection method: clinical testing. Allele origin: germline.
Comment: The c.6026_6053del28 (p.S2009*) alteration, located in exon 41 (coding exon 41) of the CACNA1A gene, consists of a deletion of 28 nucleotides from position 6026 to 6053. This changes the amino acid from a serine (S) to a stop codon at amino acid position 2009. This variant is expected to result in loss of function by premature protein truncation or nonsense-mediated mRNA decay. for CACNA1A-related neurologic disorder; however, it is unlikely to be causative of CACNA1A-related spinocerebellar ataxia. This variant was not reported in population-based cohorts in the Genome Aggregation Database (gnomAD). Based on the available evidence, this alteration is classified as pathogenic.